The following is an entry in ClinVar:

ClinVar aggregate classification (germline): Conflicting classifications of pathogenicity. Review status: criteria provided, conflicting classifications (1 of 4 stars). 6 submissions from 6 submitters: Uncertain significance (1); Likely benign (5). Last evaluated 2026-01-19.

Conditions:
Mitochondrial DNA depletion syndrome 9 (MTDPS9). Also called: SUCLG1-Related Mitochondrial DNA Depletion Syndrome, Encephalomyopathic Form with Methylmalonic Aciduria. Identifiers: Orphanet 17, MedGen C3151476, MONDO:0009504, OMIM 245400.

Allele frequency attached by ClinVar (database versions not stated): ESP Exome Variant Server 0.00031; TOPMed 0.00037; gnomAD 0.00045 and 0.00048; 1000 Genomes Project 30x 0.00047; ExAC 0.00051; gnomAD exomes 0.00051 and 0.00070; 1000 Genomes Project 0.00060.

Submissions (6):

Labcorp Genetics (formerly Invitae), Labcorp
Classification: Likely benign for Mitochondrial DNA depletion syndrome 9. Last evaluated: 2026-01-19. Review status: criteria provided, single submitter. Criteria: Invitae Variant Classification Sherloc (09022015). Collection method: clinical testing. Allele origin: germline.

CeGaT Center for Human Genetics Tuebingen
Classification: Likely benign. Last evaluated: 2025-03-01. Review status: criteria provided, single submitter. Criteria: CeGaT Center For Human Genetics Tuebingen Variant Classification Criteria Version 2. Collection method: clinical testing. Allele origin: germline. Affected: yes. Observed: 1 variant allele.
Comment: SUCLG1: BP4, BP7

Laboratory of Genetics, Children's Clinical University Hospital Latvia
Classification: Likely benign. Last evaluated: 2025-02-16. Review status: criteria provided, single submitter. Criteria: ACMG Guidelines, 2015. Collection method: clinical testing. Allele origin: germline. Affected: yes.

Blueprint Genetics
Classification: Likely benign. Last evaluated: 2024-03-18. Review status: criteria provided, single submitter. Criteria: ACMG Guidelines, 2015. Collection method: clinical testing. Allele origin: germline.

GeneDx
Classification: Likely benign. Last evaluated: 2018-09-19. Review status: criteria provided, single submitter. Criteria: GeneDx Variant Classification Process June 2021. Collection method: clinical testing. Allele origin: germline. Affected: yes.

Illumina Laboratory Services, Illumina
Classification: Uncertain significance for Mitochondrial DNA depletion syndrome 9. Last evaluated: 2018-01-12. Review status: criteria provided, single submitter. Criteria: ICSL Variant Classification Criteria 13 December 2019. Collection method: clinical testing. Allele origin: germline.

NM_003849.4(SUCLG1):c.384C>T (p.Ala128=)

Gene: SUCLG1 (succinate-CoA ligase GDP/ADP-forming subunit alpha; minus strand). Cytogenetic location: 2p11.2.
Variant type: single nucleotide variant.
Coding change: c.384C>T on transcript NM_003849.4 (MANE Select); coding-DNA position 384, C replaced by T.
Protein change: p.Ala128=; no amino-acid change (alanine 128 retained).
Molecular consequence: synonymous variant.
Genome position (GRCh38, 1-based): chr2:84,441,394, G>A on the plus strand (C>T on the coding strand, the complement: SUCLG1 is on the minus strand). VCF-style: chr2-84441394-G-A. GRCh37 (hg19) VCF-style: chr2-84668518-G-A.
Identifiers: ClinVar variation 389404 (VCV000389404.64), dbSNP rs139731592, ClinGen allele CA1736317.